The following is an entry in ClinVar:

NM_006421.5(ARFGEF1):c.2672C>T (p.Thr891Ile)

Gene: ARFGEF1 (ARF guanine nucleotide exchange factor 1; minus strand). Cytogenetic location: 8q13.2.
Variant type: single nucleotide variant.
Coding change: c.2672C>T on transcript NM_006421.5 (MANE Select); coding-DNA position 2672, C replaced by T.
Protein change: p.Thr891Ile; replaces threonine 891 with isoleucine.
Molecular consequence: missense variant. On other transcripts: non-coding transcript variant (1).
Genome position (GRCh38, 1-based): chr8:67,253,477, G>A on the plus strand (C>T on the coding strand, the complement: ARFGEF1 is on the minus strand). VCF-style: chr8-67253477-G-A. GRCh37 (hg19) VCF-style: chr8-68165712-G-A.
Other names: c.2672C>T, p.Thr891Ile (NM_001413184.1, NM_001413185.1, NM_001413186.1 and 7 more transcripts); c.2072C>T, p.Thr691Ile (NM_001413188.1, NM_001413193.1, NM_001413197.1); c.1247C>T, p.Thr416Ile (NM_001413196.1); short protein forms T416I, T691I, T891I.
Identifiers: ClinVar variation 3900091 (VCV003900091.1).

ClinVar aggregate classification (germline): Uncertain significance (1 of 4 stars; one submission).

gnomAD v4.1: 1 of 1,571,586 alleles (0.000064%); highest among the groups gnomAD compares: East Asian, 0.0022%; no homozygotes.

Submission:

GeneDx
Classification: Uncertain significance. Last evaluated: 2024-11-25. Review status: criteria provided, single submitter. Criteria: GeneDx Variant Classification Process June 2021. Collection method: clinical testing. Allele origin: germline. Affected: yes.
Comment: Not observed at significant frequency in large population cohorts (gnomAD); In silico analysis indicates that this missense variant does not alter protein structure/function; Has not been previously published as pathogenic or benign to our knowledge